The following is an entry in ClinVar:

ClinVar aggregate classification (germline): Uncertain significance (1 of 4 stars; one submission).

gnomAD v4.1: 13 of 1,613,656 alleles (0.00081%); highest among the groups gnomAD compares: African/African-American, 0.017%; no homozygotes.

Submission:

Labcorp Genetics (formerly Invitae), Labcorp
Classification: Uncertain significance. Last evaluated: 2024-05-01. Review status: criteria provided, single submitter. Criteria: Invitae Variant Classification Sherloc (09022015). Collection method: clinical testing. Allele origin: germline.
Comment: This sequence change replaces isoleucine, which is neutral and non-polar, with threonine, which is neutral and polar, at codon 898 of the ANO6 protein (p.Ile898Thr). This variant is present in population databases (rs367965175, gnomAD 0.02%). This variant has not been reported in the literature in individuals affected with ANO6-related conditions. Advanced modeling of protein sequence and biophysical properties (such as structural, functional, and spatial information, amino acid conservation, physicochemical variation, residue mobility, and thermodynamic stability) performed at Invitae indicates that this missense variant is not expected to disrupt ANO6 protein function with a negative predictive value of 95%. In summary, the available evidence is currently insufficient to determine the role of this variant in disease. Therefore, it has been classified as a Variant of Uncertain Significance.

NM_001025356.3(ANO6):c.2693T>C (p.Ile898Thr)

Gene: ANO6 (anoctamin 6; plus strand). Cytogenetic location: 12q12.
Variant type: single nucleotide variant.
Coding change: c.2693T>C on transcript NM_001025356.3 (MANE Select); coding-DNA position 2693, T replaced by C.
Protein change: p.Ile898Thr; replaces isoleucine 898 with threonine.
Molecular consequence: missense variant. On other transcripts: intron variant (1).
Genome position (GRCh38, 1-based): chr12:45,429,271, T>C. VCF-style: chr12-45429271-T-C. GRCh37 (hg19) VCF-style: chr12-45823054-T-C.
Other names: c.2639T>C, p.Ile880Thr (NM_001142678.2); c.2756T>C, p.Ile919Thr (NM_001204803.2); c.2660T>C, p.Ile887Thr (NM_001410973.1); c.2526+6209T>C (NM_001142679.2); short protein forms I880T, I887T, I898T, I919T.
Identifiers: ClinVar variation 3616662 (VCV003616662.2).